The following is an entry in ClinVar:

ClinVar aggregate classification (germline): Uncertain significance. Review status: criteria provided, multiple submitters, no conflicts (2 of 4 stars). 2 submissions from 2 submitters: Uncertain significance (2). Last evaluated 2026-01-15.

Conditions:
Hereditary cancer-predisposing syndrome. Also called: Tumor predisposition; Neoplastic Syndromes, Hereditary; Hereditary Cancer Syndrome; Hereditary neoplastic syndrome. Identifiers: Orphanet 140162, MedGen C0027672, MeSH D009386, MONDO:0015356.

Submissions (2):

Ambry Genetics
Classification: Uncertain significance for Hereditary cancer-predisposing syndrome. Last evaluated: 2026-01-15. Review status: criteria provided, single submitter. Criteria: Ambry Variant Classification Scheme 2023. Collection method: clinical testing. Allele origin: germline.
Comment: The p.E373D variant (also known as c.1119G>C), located in coding exon 12 of the POLE gene, results from a G to C substitution at nucleotide position 1119. The glutamic acid at codon 373 is replaced by aspartic acid, an amino acid with highly similar properties. This amino acid position is highly conserved in available vertebrate species. In addition, this alteration is predicted to be tolerated by in silico analysis. Since supporting evidence is limited at this time, the clinical significance of this alteration remains unclear.

Labcorp Genetics (formerly Invitae), Labcorp
Classification: Uncertain significance. Last evaluated: 2024-06-19. Review status: criteria provided, single submitter. Criteria: Invitae Variant Classification Sherloc (09022015). Collection method: clinical testing. Allele origin: germline.
Comment: This sequence change replaces glutamic acid, which is acidic and polar, with aspartic acid, which is acidic and polar, at codon 373 of the POLE protein (p.Glu373Asp). This variant is not present in population databases (gnomAD no frequency). This variant has not been reported in the literature in individuals affected with POLE-related conditions. ClinVar contains an entry for this variant (Variation ID: 818373). Advanced modeling of protein sequence and biophysical properties (such as structural, functional, and spatial information, amino acid conservation, physicochemical variation, residue mobility, and thermodynamic stability) performed at Invitae indicates that this missense variant is not expected to disrupt POLE protein function with a negative predictive value of 80%. In summary, the available evidence is currently insufficient to determine the role of this variant in disease. Therefore, it has been classified as a Variant of Uncertain Significance.

NM_006231.4(POLE):c.1119G>C (p.Glu373Asp)

Gene: POLE (DNA polymerase epsilon, catalytic subunit; minus strand). Cytogenetic location: 12q24.33.
Variant type: single nucleotide variant.
Coding change: c.1119G>C on transcript NM_006231.4 (MANE Select); coding-DNA position 1119, G replaced by C.
Protein change: p.Glu373Asp; replaces glutamic acid 373 with aspartic acid.
Molecular consequence: missense variant.
Genome position (GRCh38, 1-based): chr12:132,675,505, C>G on the plus strand (G>C on the coding strand, the complement: POLE is on the minus strand). VCF-style: chr12-132675505-C-G. GRCh37 (hg19) VCF-style: chr12-133252091-C-G.
Other names: short protein forms E373D.
Identifiers: ClinVar variation 818373 (VCV000818373.13), dbSNP rs1555229135, ClinGen allele CA387361174.